The following is an entry in ClinVar:

ClinVar aggregate classification (germline): Uncertain significance. Review status: criteria provided, multiple submitters, no conflicts (2 of 4 stars). 2 submissions from 2 submitters: Uncertain significance (2). Last evaluated 2025-11-03.

Allele frequency attached by ClinVar (database versions not stated): ExAC 0.00005; TOPMed 0.00006; gnomAD 0.00008; gnomAD exomes 0.00009.
gnomAD v4.1: 147 of 1,613,904 alleles (0.0091%); highest among the groups gnomAD compares: Non-Finnish European, 0.012%; no homozygotes.

Submissions (2):

Labcorp Genetics (formerly Invitae), Labcorp
Classification: Uncertain significance. Last evaluated: 2025-11-03. Review status: criteria provided, single submitter. Criteria: Invitae Variant Classification Sherloc (09022015). Collection method: clinical testing. Allele origin: germline.
Comment: This sequence change replaces valine, which is neutral and non-polar, with isoleucine, which is neutral and non-polar, at codon 651 of the ITGAM protein (p.Val651Ile). This variant is present in population databases (rs758993544, gnomAD 0.01%). This variant has not been reported in the literature in individuals affected with ITGAM-related conditions. ClinVar contains an entry for this variant (Variation ID: 2419850). An algorithm developed to predict the effect of missense changes on protein structure and function (PolyPhen-2) suggests that this variant is likely to be disruptive. In summary, the available evidence is currently insufficient to determine the role of this variant in disease. Therefore, it has been classified as a Variant of Uncertain Significance.

Ambry Genetics
Classification: Uncertain significance. Last evaluated: 2024-07-30. Review status: criteria provided, single submitter. Criteria: Ambry Variant Classification Scheme 2023. Collection method: clinical testing. Allele origin: germline.

NM_000632.4(ITGAM):c.1951G>A (p.Val651Ile)

Gene: ITGAM (integrin subunit alpha M; plus strand). Cytogenetic location: 16p11.2.
Variant type: single nucleotide variant.
Coding change: c.1951G>A on transcript NM_000632.4 (MANE Select); coding-DNA position 1951, G replaced by A.
Protein change: p.Val651Ile; replaces valine 651 with isoleucine.
Molecular consequence: missense variant.
Genome position (GRCh38, 1-based): chr16:31,321,576, G>A. VCF-style: chr16-31321576-G-A. GRCh37 (hg19) VCF-style: chr16-31332897-G-A.
Other names: c.1954G>A, p.Val652Ile (NM_001145808.2); c.1951G>A (NM_000632.3); short protein forms V651I, V652I.
Identifiers: ClinVar variation 2419850 (VCV002419850.7), dbSNP rs758993544, ClinGen allele CA8025691.
Genomic context (GRCh38, chr16:31,321,576, plus strand): 5'-GTGGCAAGGAATGTATTTGAGTGTAATGATCAGGTGGTGAAAGGCAAGGAAGCCGGAGAG[G>A]TCAGAGTCTGCCTCCATGTCCAGAAGAGCACACGGGATCGGCTAAGAGAAGGTGAGGCTT-3'
Protein context (NP_000623.2, residues 641-661): QVVKGKEAGE[Val651Ile]RVCLHVQKST